The following is an entry in ClinVar:

NM_025144.4(ALPK1):c.1603G>A (p.Gly535Arg)

Gene: ALPK1 (alpha kinase 1; plus strand). Cytogenetic location: 4q25.
Variant type: single nucleotide variant.
Coding change: c.1603G>A on transcript NM_025144.4 (MANE Select); coding-DNA position 1603, G replaced by A.
Protein change: p.Gly535Arg; replaces glycine 535 with arginine.
Molecular consequence: missense variant.
Genome position (GRCh38, 1-based): chr4:112,431,150, G>A. VCF-style: chr4-112431150-G-A. GRCh37 (hg19) VCF-style: chr4-113352306-G-A.
Other names: c.1603G>A, p.Gly535Arg (NM_001102406.2); c.1369G>A, p.Gly457Arg (NM_001253884.2); c.1603G>A (NM_001102406.1); short protein forms G535R, G457R.
Identifiers: ClinVar variation 3708726 (VCV003708726.3).

ClinVar aggregate classification (germline): Uncertain significance. Review status: criteria provided, multiple submitters, no conflicts (2 of 4 stars). 2 submissions from 2 submitters: Uncertain significance (2). Last evaluated 2025-08-18.

Conditions:
ALPK1-related disorder. Also called: ALPK1-related condition.

gnomAD v4.1: 5 of 1,614,182 alleles (0.00031%); highest among the groups gnomAD compares: Non-Finnish European, 0.00042%; no homozygotes.

Submissions (2):

PreventionGenetics, part of Exact Sciences
Classification: Uncertain significance for ALPK1-related condition. Last evaluated: 2025-08-18. Review status: criteria provided, single submitter. Criteria: ACMG Guidelines, 2015. Collection method: clinical testing. Allele origin: germline.
Comment: The ALPK1 c.1603G>A variant is predicted to result in the amino acid substitution p.Gly535Arg. To our knowledge, this variant has not been reported in the literature. This variant is absent in a large population database (gnomAD), indicating this variant is rare. At this time, the clinical significance of this variant is uncertain due to the absence of conclusive functional and genetic evidence.

Labcorp Genetics (formerly Invitae), Labcorp
Classification: Uncertain significance. Last evaluated: 2024-11-27. Review status: criteria provided, single submitter. Criteria: Invitae Variant Classification Sherloc (09022015). Collection method: clinical testing. Allele origin: germline.
Comment: This sequence change replaces glycine, which is neutral and non-polar, with arginine, which is basic and polar, at codon 535 of the ALPK1 protein (p.Gly535Arg). This variant is not present in population databases (gnomAD no frequency). This variant has not been reported in the literature in individuals affected with ALPK1-related conditions. Invitae Evidence Modeling of protein sequence and biophysical properties (such as structural, functional, and spatial information, amino acid conservation, physicochemical variation, residue mobility, and thermodynamic stability) indicates that this missense variant is not expected to disrupt ALPK1 protein function with a negative predictive value of 80%. In summary, the available evidence is currently insufficient to determine the role of this variant in disease. Therefore, it has been classified as a Variant of Uncertain Significance.